The following is an entry in ClinVar:

NM_001849.4(COL6A2):c.2485C>G (p.Gln829Glu)

Gene: COL6A2 (collagen type VI alpha 2 chain; plus strand). Cytogenetic location: 21q22.3.
Variant type: single nucleotide variant.
Coding change: c.2485C>G on transcript NM_001849.4 (MANE Select); coding-DNA position 2485, C replaced by G.
Protein change: p.Gln829Glu; replaces glutamine 829 with glutamic acid.
Molecular consequence: missense variant.
Genome position (GRCh38, 1-based): chr21:46,131,977, C>G. VCF-style: chr21-46131977-C-G. GRCh37 (hg19) VCF-style: chr21-47551891-C-G.
Other names: short protein forms Q829E.
Identifiers: ClinVar variation 2169083 (VCV002169083.4), dbSNP rs2078766032, ClinGen allele CA410547878.
Genomic context (GRCh38, chr21:46,131,977, plus strand): 5'-TCCCCTCCGCCCAGCCCGCACCTGCGTCTCCCCACAGAGCTGTCCGTGGCACAGTGCACG[C>G]AGCGGCCCGTGGACATCGTCTTCCTGCTGGACGGCTCCGAGCGGCTGGGTGAGCAGAACT-3'
Protein context (NP_001840.3, residues 819-839): QTELSVAQCT[Gln829Glu]RPVDIVFLLD

ClinVar aggregate classification (germline): Uncertain significance (1 of 4 stars; one submission).

Conditions:
Bethlem myopathy 1A. Also called: Bethlem Muscular Dystrophy; Bethlem myopathy 1; MYOPATHY, BENIGN CONGENITAL, WITH CONTRACTURES. Identifiers: Orphanet 610, MedGen CN029274, MONDO:0024530, OMIM 158810.

gnomAD v4.1: 1 of 1,608,444 alleles (0.000062%); highest among the groups gnomAD compares: Non-Finnish European, 0.000085%; no homozygotes.

Submission:

Labcorp Genetics (formerly Invitae), Labcorp
Classification: Uncertain significance for Bethlem myopathy 1A. Last evaluated: 2022-02-21. Review status: criteria provided, single submitter. Criteria: Invitae Variant Classification Sherloc (09022015). Collection method: clinical testing. Allele origin: germline.
Comment: In summary, the available evidence is currently insufficient to determine the role of this variant in disease. Therefore, it has been classified as a Variant of Uncertain Significance. Advanced modeling of protein sequence and biophysical properties (such as structural, functional, and spatial information, amino acid conservation, physicochemical variation, residue mobility, and thermodynamic stability) performed at Invitae indicates that this missense variant is not expected to disrupt COL6A2 protein function. This variant has not been reported in the literature in individuals affected with COL6A2-related conditions. This variant is not present in population databases (gnomAD no frequency). This sequence change replaces glutamine, which is neutral and polar, with glutamic acid, which is acidic and polar, at codon 829 of the COL6A2 protein (p.Gln829Glu).